The following is an entry in ClinVar:

NM_001458.5(FLNC):c.6149G>A (p.Gly2050Glu)

Genes: FLNC-AS1 (FLNC antisense RNA 1; minus strand), FLNC (filamin C; plus strand). Cytogenetic location: 7q32.1.
Variant type: single nucleotide variant.
Coding change: c.6149G>A on transcript NM_001458.5 (MANE Select); coding-DNA position 6149, G replaced by A.
Protein change: p.Gly2050Glu; replaces glycine 2050 with glutamic acid.
Molecular consequence: missense variant.
Genome position (GRCh38, 1-based): chr7:128,852,972, G>A. VCF-style: chr7-128852972-G-A. GRCh37 (hg19) VCF-style: chr7-128493026-G-A.
Other names: p.Gly2050Glu; c.6050G>A, p.Gly2017Glu (NM_001127487.2); short protein forms G2050E, G2017E.
Identifiers: ClinVar variation 663566 (VCV000663566.14), dbSNP rs1261109029, ClinGen allele CA369211429.

ClinVar aggregate classification (germline): Uncertain significance. Review status: criteria provided, multiple submitters, no conflicts (2 of 4 stars). 3 submissions from 3 submitters: Uncertain significance (3). Last evaluated 2025-10-29.

Conditions:
Cardiovascular phenotype. Identifiers: MedGen CN230736.
Distal myopathy with posterior leg and anterior hand involvement. Also called: WILLIAMS DISTAL MYOPATHY. Identifiers: Orphanet 63273, MedGen C3279722, MONDO:0013550, OMIM 614065.
Myofibrillar myopathy 5. Also called: Filaminopathy (type); FILAMINOPATHY, AUTOSOMAL DOMINANT. Identifiers: Orphanet 171445, MedGen C1836050, MONDO:0012289, OMIM 609524.
Hypertrophic cardiomyopathy 26. Also called: Cardiomyopathy, familial hypertrophic, 26. Identifiers: Orphanet 75249, MedGen C4310749, MONDO:0014883, OMIM 617047.

Allele frequency attached by ClinVar (database versions not stated): gnomAD 0.00001; gnomAD exomes 0.00001; TOPMed 0.00001.
gnomAD v4.1: 8 of 1,613,382 alleles (0.0005%); highest among the groups gnomAD compares: Non-Finnish European, 0.00068%; no homozygotes.

Submissions (3):

Labcorp Genetics (formerly Invitae), Labcorp
Classification: Uncertain significance for Distal myopathy with posterior leg and anterior hand involvement; Myofibrillar myopathy 5; Hypertrophic cardiomyopathy 26. Last evaluated: 2025-10-29. Review status: criteria provided, single submitter. Criteria: Invitae Variant Classification Sherloc (09022015). Collection method: clinical testing. Allele origin: germline.
Comment: This sequence change replaces glycine, which is neutral and non-polar, with glutamic acid, which is acidic and polar, at codon 2050 of the FLNC protein (p.Gly2050Glu). This variant is not present in population databases (gnomAD no frequency). This variant has not been reported in the literature in individuals affected with FLNC-related conditions. ClinVar contains an entry for this variant (Variation ID: 663566). Invitae Evidence Modeling of protein sequence and biophysical properties (such as structural, functional, and spatial information, amino acid conservation, physicochemical variation, residue mobility, and thermodynamic stability) has been performed for this missense variant. However, the output from this modeling did not meet the statistical confidence thresholds required to predict the impact of this variant on FLNC protein function. In summary, the available evidence is currently insufficient to determine the role of this variant in disease. Therefore, it has been classified as a Variant of Uncertain Significance.

Mayo Clinic Laboratories, Mayo Clinic
Classification: Uncertain significance. Last evaluated: 2025-10-17. Review status: criteria provided, single submitter. Criteria: ACMG Guidelines, 2015. Collection method: clinical testing. Allele origin: germline. Observed: 1 variant allele.
Comment: PP3_strong, PM2_supporting

Ambry Genetics
Classification: Uncertain significance for Cardiovascular phenotype. Last evaluated: 2025-09-02. Review status: criteria provided, single submitter. Criteria: Ambry Variant Classification Scheme 2023. Collection method: clinical testing. Allele origin: germline.
Comment: The p.G2050E variant (also known as c.6149G>A), located in coding exon 37 of the FLNC gene, results from a G to A substitution at nucleotide position 6149. The glycine at codon 2050 is replaced by glutamic acid, an amino acid with similar properties. This variant was reported in individual(s) with features consistent with hypertrophic cardiomyopathy (Bonaventura J et al. J Am Heart Assoc. 2024 May;13(10):e033565; Ambry internal data). This amino acid position is highly conserved in available vertebrate species. In addition, this alteration is predicted to be deleterious by in silico analysis. Based on the available evidence, the clinical significance of this variant remains unclear.

Literature cited by the submitters: PubMed 38757491 (cited by Ambry Genetics).